The following is an entry in ClinVar:

ClinVar aggregate classification (germline): Uncertain significance (1 of 4 stars; one submission).

Submission:

Labcorp Genetics (formerly Invitae), Labcorp
Classification: Uncertain significance. Last evaluated: 2019-10-06. Review status: criteria provided, single submitter. Criteria: Invitae Variant Classification Sherloc (09022015). Collection method: clinical testing. Allele origin: germline.
Comment: In summary, the available evidence is currently insufficient to determine the role of this variant in disease. Therefore, it has been classified as a Variant of Uncertain Significance. Algorithms developed to predict the effect of missense changes on protein structure and function are either unavailable or do not agree on the potential impact of this missense change (SIFT: "Deleterious"; PolyPhen-2: "Possibly Damaging"; Align-GVGD: "Class C15"). This variant has not been reported in the literature in individuals with MSH3-related conditions. This variant is not present in population databases (ExAC no frequency). This sequence change replaces aspartic acid with valine at codon 277 of the MSH3 protein (p.Asp277Val). The aspartic acid residue is highly conserved and there is a large physicochemical difference between aspartic acid and valine.

NM_002439.5(MSH3):c.830A>T (p.Asp277Val)

Gene: MSH3 (mutS homolog 3; plus strand). Cytogenetic location: 5q14.1.
Variant type: single nucleotide variant.
Coding change: c.830A>T on transcript NM_002439.5 (MANE Select); coding-DNA position 830, A replaced by T.
Protein change: p.Asp277Val; replaces aspartic acid 277 with valine.
Molecular consequence: missense variant.
Genome position (GRCh38, 1-based): chr5:80,672,281, A>T. VCF-style: chr5-80672281-A-T. GRCh37 (hg19) VCF-style: chr5-79968100-A-T.
Other names: short protein forms D277V.
Identifiers: ClinVar variation 971489 (VCV000971489.9), dbSNP rs1749740271, ClinGen allele CA360267128.
Genomic context (GRCh38, chr5:80,672,281, plus strand): 5'-TATTTTCTTTTTTCATTTTTTAGATTGCAGCCCGAGAGCTCAATATTTATTGCCATTTAG[A>T]TCACAACTTTATGACAGCAAGTATACCTACTCACAGACTGTTTGTTCATGTACGCCGCCT-3'
Protein context (NP_002430.3, residues 267-287): ARELNIYCHL[Asp277Val]HNFMTASIPT